The following is an entry in ClinVar:

NM_001366385.1(CARD14):c.963+6G>T

Gene: CARD14 (caspase recruitment domain family member 14; plus strand). Cytogenetic location: 17q25.3.
Variant type: single nucleotide variant.
Coding change: c.963+6G>T on transcript NM_001366385.1 (MANE Select); 6 bases into the intron after coding-DNA position 963, G replaced by T.
Molecular consequence: intron variant.
Genome position (GRCh38, 1-based): chr17:80,189,878, G>T. VCF-style: chr17-80189878-G-T. GRCh37 (hg19) VCF-style: chr17-78163677-G-T.
Other names: c.963+6G>T (NM_024110.4, NM_001257970.1); c.252+6G>T (NM_052819.3).
Identifiers: ClinVar variation 2935479 (VCV002935479.3), dbSNP rs376630011, ClinGen allele CA8816596.
Genomic context (GRCh38, chr17:80,189,878, plus strand): 5'-GCGCATCCACTCGCTGCGGGAGCGGGCCGTGGCTGCCGAGAGGCAGCGAGAGCAGGTGCC[G>T]TGTGAGCCCTTCCTCCCTTGTGACTCTCCTGGGGCTTGTCTCAGGGGTGCGGACAGGTCT-3'

ClinVar aggregate classification (germline): Uncertain significance (1 of 4 stars; one submission).

Conditions:
Psoriasis 2. Identifiers: MedGen C1864497, MONDO:0011269, OMIM 602723.
Pityriasis rubra pilaris (PRP). Also called: Pityriasis rubra pilaris--familial type. Identifiers: Orphanet 2897, MedGen C0032027, MONDO:0100017, OMIM 173200, MONDO:0008251.

Allele frequency attached by ClinVar (database versions not stated): ESP Exome Variant Server 0.00008.
gnomAD v4.1: 26 of 1,593,144 alleles (0.0016%); highest among the groups gnomAD compares: Non-Finnish European, 0.002%; no homozygotes.

Submission:

Labcorp Genetics (formerly Invitae), Labcorp
Classification: Uncertain significance for Pityriasis rubra pilaris; Psoriasis 2. Last evaluated: 2023-03-06. Review status: criteria provided, single submitter. Criteria: Invitae Variant Classification Sherloc (09022015). Collection method: clinical testing. Allele origin: germline.
Comment: This sequence change falls in intron 6 of the CARD14 gene. It does not directly change the encoded amino acid sequence of the CARD14 protein. It affects a nucleotide within the consensus splice site. This variant is present in population databases (rs376630011, gnomAD 0.001%). This variant has not been reported in the literature in individuals affected with CARD14-related conditions. Variants that disrupt the consensus splice site are a relatively common cause of aberrant splicing (PMID: 17576681, 9536098). Algorithms developed to predict the effect of sequence changes on RNA splicing suggest that this variant is not likely to affect RNA splicing. In summary, the available evidence is currently insufficient to determine the role of this variant in disease. Therefore, it has been classified as a Variant of Uncertain Significance.

Literature cited by the submitters: PubMed 17576681; PubMed 9536098.